The following is an entry in ClinVar:

ClinVar aggregate classification (germline): Uncertain significance (1 of 4 stars; one submission).

Allele frequency attached by ClinVar (database versions not stated): gnomAD exomes below 0.00001; ExAC 0.00001; TOPMed 0.00001.
gnomAD v4.1: 5 of 1,614,080 alleles (0.00031%); highest among the groups gnomAD compares: African/African-American, 0.0027%; no homozygotes.

Submission:

Labcorp Genetics (formerly Invitae), Labcorp
Classification: Uncertain significance. Last evaluated: 2021-10-16. Review status: criteria provided, single submitter. Criteria: Invitae Variant Classification Sherloc (09022015). Collection method: clinical testing. Allele origin: germline.
Comment: This sequence change replaces valine with methionine at codon 286 of the LRRC8A protein (p.Val286Met). The valine residue is highly conserved and there is a small physicochemical difference between valine and methionine. In summary, the available evidence is currently insufficient to determine the role of this variant in disease. Therefore, it has been classified as a Variant of Uncertain Significance. Algorithms developed to predict the effect of missense changes on protein structure and function are either unavailable or do not agree on the potential impact of this missense change (SIFT: "Deleterious"; PolyPhen-2: "Probably Damaging"; Align-GVGD: "Class C15"). This variant has not been reported in the literature in individuals affected with LRRC8A-related conditions. This variant is present in population databases (rs763613538, ExAC 0.006%).

NM_019594.4(LRRC8A):c.856G>A (p.Val286Met)

Gene: LRRC8A (leucine rich repeat containing 8 VRAC subunit A; plus strand). Cytogenetic location: 9q34.11.
Variant type: single nucleotide variant.
Coding change: c.856G>A on transcript NM_019594.4 (MANE Select); coding-DNA position 856, G replaced by A.
Protein change: p.Val286Met; replaces valine 286 with methionine.
Molecular consequence: missense variant.
Genome position (GRCh38, 1-based): chr9:128,908,020, G>A. VCF-style: chr9-128908020-G-A. GRCh37 (hg19) VCF-style: chr9-131670299-G-A.
Other names: c.856G>A, p.Val286Met (NM_001127244.2, NM_001127245.2); short protein forms V286M.
Identifiers: ClinVar variation 1415894 (VCV001415894.6), dbSNP rs763613538, ClinGen allele CA5270784.
Genomic context (GRCh38, chr9:128,908,020, plus strand): 5'-CGGCAGACCATCATCAAGGTGATCAAGTTCATCCTCATCATCTGCTACACCGTCTACTAC[G>A]TGCACAACATCAAGTTCGACGTGGACTGCACCGTGGACATTGAGAGCCTGACGGGCTACC-3'
Protein context (NP_062540.2, residues 276-296): ILIICYTVYY[Val286Met]HNIKFDVDCT